The following is an entry in ClinVar:

NM_012096.3(APPL1):c.1766G>A (p.Arg589Gln)

Gene: APPL1 (adaptor protein, phosphotyrosine interacting with PH domain and leucine zipper 1; plus strand). Cytogenetic location: 3p14.3.
Variant type: single nucleotide variant.
Coding change: c.1766G>A on transcript NM_012096.3 (MANE Select); coding-DNA position 1766, G replaced by A.
Protein change: p.Arg589Gln; replaces arginine 589 with glutamine.
Molecular consequence: missense variant.
Genome position (GRCh38, 1-based): chr3:57,260,698, G>A. VCF-style: chr3-57260698-G-A. GRCh37 (hg19) VCF-style: chr3-57294726-G-A.
Other names: short protein forms R589Q.
Identifiers: ClinVar variation 2634198 (VCV002634198.1), dbSNP rs778141780, ClinGen allele CA2463927.

ClinVar aggregate classification (germline): Uncertain significance (1 of 4 stars; one submission).

Conditions:
APPL1-related disorder. Also called: APPL1-related condition.

Allele frequency attached by ClinVar (database versions not stated): gnomAD exomes 0.00002; ExAC 0.00003.

Submission:

PreventionGenetics, part of Exact Sciences
Classification: Uncertain significance for APPL1-related condition. Last evaluated: 2023-08-10. Review status: criteria provided, single submitter. Criteria: ACMG Guidelines, 2015. Collection method: clinical testing. Allele origin: germline.
Comment: The APPL1 c.1766G>A variant is predicted to result in the amino acid substitution p.Arg589Gln. To our knowledge, this variant has not been reported in the literature. This variant is reported in 0.0098% of alleles in individuals of South Asian descent in gnomAD. At this time, the clinical significance of this variant is uncertain due to the absence of conclusive functional and genetic evidence.